The following is an entry in ClinVar:

NM_001287.6(CLCN7):c.1165G>A (p.Gly389Arg)

Gene: CLCN7 (Cl-/H+ antiporter 7; minus strand). Cytogenetic location: 16p13.3.
Variant type: single nucleotide variant.
Coding change: c.1165G>A on transcript NM_001287.6 (MANE Select); coding-DNA position 1165, G replaced by A.
Protein change: p.Gly389Arg; replaces glycine 389 with arginine.
Molecular consequence: missense variant.
Genome position (GRCh38, 1-based): chr16:1,453,883, C>T on the plus strand (G>A on the coding strand, the complement: CLCN7 is on the minus strand). VCF-style: chr16-1453883-C-T. GRCh37 (hg19) VCF-style: chr16-1503884-C-T.
Other names: c.1093G>A, p.Gly365Arg (NM_001114331.3); short protein forms G389R, G365R.
Identifiers: ClinVar variation 545690 (VCV000545690.3), dbSNP rs1555465003, ClinGen allele CA394189434.
Genomic context (GRCh38, chr16:1,453,883, plus strand): 5'-TTTCTCCTCACCTGATTCGAAACATGGTCAGCCAGTAGTTCAAGGCATTGAACACTGCTC[C>T]AAGCACACCGCCTGCGAACAGGGGAAAGGCCAGTCAGCGACACCGGAGGAAAAGTGCGGG-3'
Protein context (NP_001278.1, residues 379-399): IAMGVVGGVL[Gly389Arg]AVFNALNYWL

ClinVar aggregate classification (germline): Uncertain significance. Review status: criteria provided, single submitter (1 of 4 stars). 2 submissions from 2 submitters: Uncertain significance (1). 1 of the submissions does not count toward it. Last evaluated 2026-08-06.

Conditions:
Autosomal recessive osteopetrosis 4. Also called: infantile malignant CLCN7-related recessive osteopetrosis; CLCN7-Related Osteopetrosis. Identifiers: Orphanet 667, MedGen C1969106, MONDO:0012676, OMIM 611490.

Submissions (2):

OLLIN Analises Genomicas, OLLIN
Classification: Uncertain significance. Last evaluated: 2026-08-06. Review status: criteria provided, single submitter. Criteria: ACMG Guidelines 2015 PMID 25741868. Collection method: clinical testing. Allele origin: germline.
Comment: This missense variant, located in exon 14 (of 25), is absent from gnomAD and has not been identified in the literature. However, it has been reported in ClinVar (accession VCV000545690.2). In silico analysis predicts that this variant has a deleterious effect. According to the currently available evidence, this variant has been classified as uncertain significance (PM2_P, PP3_M).

Foundation for Research in Genetics and Endocrinology, FRIGE's Institute of Human Genetics
Classification: Uncertain significance for Autosomal recessive osteopetrosis 4. Last evaluated: 2017-12-19. Review status: no assertion criteria provided. Collection method: clinical testing. Allele origin: germline. Inheritance: Autosomal recessive inheritance. Affected: yes. Observed: 1 variant allele, 1 compound heterozygote. Not counted in ClinVar's aggregate classification.
Comment: The observed variant c.1165G>A (p.G389A) in exon 14 of CLCN7 gene, has not been reported in the 1000 genomes and ExAC databases. The in silico prediction of the variant is probably damaging by Polyphen-2 and damaging by SIFT, LRT and MutationTaster2. It has not been reported in the 1000 genomes database and has a minor allele frequency of 0.0008% in the ExAC database. The in silico prediction of the variant is probably damaging by Polyphen-2 and damaging by SIFT, LRT and MutationTaster2.